The following is an entry in ClinVar:

NM_006623.4(PHGDH):c.935_936dup (p.Thr313fs)

Gene: PHGDH (phosphoglycerate dehydrogenase; plus strand). Cytogenetic location: 1p12.
Variant type: Microsatellite.
Coding change: c.935_936dup on transcript NM_006623.4 (MANE Select); coding-DNA positions 935 to 936, 2 bases duplicated (TC; older notation c.935_936dupTC).
Protein change: p.Thr313fs; shifts the reading frame from threonine 313.
Molecular consequence: frameshift variant.
Genome position (GRCh38, 1-based): chr1:119,737,256-119,737,257, TC duplicated; duplicating any 2 consecutive bases within chr1:119,737,252-119,737,257 gives the same sequence; the c. name uses the placement nearest the transcript's 3' end. VCF-style (leftmost placement, unchanged base first): chr1-119737251-A-ATC. GRCh37 (hg19) VCF-style: chr1-120279874-A-ATC.
Other names: short protein forms T313fs.
Identifiers: ClinVar variation 5012831 (VCV005012831.1).

ClinVar aggregate classification (germline): Pathogenic (1 of 4 stars; one submission).

Conditions:
Neurometabolic disorder due to serine deficiency. Identifiers: Orphanet 35705, MedGen C5680148, MONDO:0018162.

Submission:

Myriad Genetics, Inc.
Classification: Pathogenic for Neurometabolic disorder due to serine deficiency. Last evaluated: 2024-03-18. Review status: criteria provided, single submitter. Criteria: Myriad Autosomal Dominant, Autosomal Recessive and X-Linked Classification Criteria (2023). Collection method: clinical testing. Allele origin: unknown.
Comment: NM_006623.3(PHGDH):c.935_936dupTC(T313Sfs*5) is expected to be pathogenic in the context of serine deficiency disorder, PHGDH-related. This variant is predicted to lead to an abnormal or absent protein product due to the creation of a premature termination codon in PHGDH, a gene where loss-of-function variants are known to be pathogenic. Please note: this variant was assessed in the context of healthy population screening.